The following is an entry in ClinVar:

ClinVar aggregate classification (germline): Uncertain significance (1 of 4 stars; one submission).

Conditions:
Autosomal recessive limb-girdle muscular dystrophy type 2F (LGMDR6). Also called: Muscular dystrophy limb-girdle with delta-sarcoglyan deficiency; MUSCULAR DYSTROPHY, LIMB-GIRDLE, AUTOSOMAL RECESSIVE 6. Identifiers: Orphanet 219, MedGen C1832525, MONDO:0011028, OMIM 601287. Disease mechanism: Affects gamma-sarcoglycan and also disrupts the integrity of the entire sarcoglycan complex..

Allele frequency attached by ClinVar (database versions not stated): gnomAD exomes below 0.00001.
gnomAD v4.1: 1 of 1,562,578 alleles (0.000064%); highest among the groups gnomAD compares: Non-Finnish European, 0.000087%; no homozygotes.

Submission:

Labcorp Genetics (formerly Invitae), Labcorp
Classification: Uncertain significance for Autosomal recessive limb-girdle muscular dystrophy type 2F. Last evaluated: 2022-05-02. Review status: criteria provided, single submitter. Criteria: Invitae Variant Classification Sherloc (09022015). Collection method: clinical testing. Allele origin: germline.
Comment: This sequence change replaces leucine, which is neutral and non-polar, with phenylalanine, which is neutral and non-polar, at codon 125 of the SGCD protein (p.Leu125Phe). This variant is not present in population databases (gnomAD no frequency). This variant has not been reported in the literature in individuals affected with SGCD-related conditions. Algorithms developed to predict the effect of missense changes on protein structure and function are either unavailable or do not agree on the potential impact of this missense change (SIFT: "Tolerated"; PolyPhen-2: "Probably Damaging"; Align-GVGD: "Class C0"). In summary, the available evidence is currently insufficient to determine the role of this variant in disease. Therefore, it has been classified as a Variant of Uncertain Significance.

NM_000337.6(SGCD):c.373C>T (p.Leu125Phe)

Gene: SGCD (sarcoglycan delta; plus strand). Cytogenetic location: 5q33.3.
Variant type: single nucleotide variant.
Coding change: c.373C>T on transcript NM_000337.6 (MANE Select); coding-DNA position 373, C replaced by T.
Protein change: p.Leu125Phe; replaces leucine 125 with phenylalanine.
Molecular consequence: missense variant.
Genome position (GRCh38, 1-based): chr5:156,589,309, C>T. VCF-style: chr5-156589309-C-T. GRCh37 (hg19) VCF-style: chr5-156016319-C-T.
Other names: c.370C>T, p.Leu124Phe (NM_001128209.2); c.373C>T, p.Leu125Phe (NM_172244.3); short protein forms L124F, L125F.
Identifiers: ClinVar variation 2166681 (VCV002166681.1), dbSNP rs2480227717, ClinGen allele CA362008770.